The following is an entry in ClinVar:

NM_001256789.3(CACNA1F):c.447C>A (p.Tyr149Ter)

Gene: CACNA1F (calcium voltage-gated channel subunit alpha1 F; minus strand). Cytogenetic location: Xp11.23.
Variant type: single nucleotide variant.
Coding change: c.447C>A on transcript NM_001256789.3 (MANE Select); coding-DNA position 447, C replaced by A.
Protein change: p.Tyr149Ter; replaces tyrosine 149 with a stop codon.
Molecular consequence: nonsense.
Genome position (GRCh38, 1-based): chrX:49,230,924, G>T on the plus strand (C>A on the coding strand, the complement: CACNA1F is on the minus strand). VCF-style: chrX-49230924-G-T. GRCh37 (hg19) VCF-style: chrX-49087386-G-T.
Other names: c.252C>A, p.Tyr84Ter (NM_001256790.3); c.447C>A, p.Tyr149Ter (NM_005183.4); short protein forms Y149*, Y84*.
Identifiers: ClinVar variation 4526363 (VCV004526363.1).
Genomic context (GRCh38, chrX:49,230,924, plus strand): 5'-GATGAAGTCGAGTAGGTTCCAGCCATTGCGGATGTAGGCGCTGGGGTGGAGCACCAGCCC[G>T]TAGGCCACGATCTTGAGCACCGTCTCCACAGTGAAAATCACCAGGAATACGTACTCCACC-3'

ClinVar aggregate classification (germline): Pathogenic (1 of 4 stars; one submission).

Submission:

Centre of Medical Genetics, University Hospital Muenster
Classification: Pathogenic. Last evaluated: 2024-12-04. Review status: criteria provided, single submitter. Criteria: ACMG Guidelines, 2015. Collection method: clinical testing. Allele origin: unknown. Affected: yes. Observed: 1 variant allele.
Comment: ACMG categories: PVS1,PM2